The following is an entry in ClinVar:

NM_001875.5(CPS1):c.3589G>A (p.Glu1197Lys)

Gene: CPS1 (carbamoyl-phosphate synthase 1; plus strand). Cytogenetic location: 2q34.
Variant type: single nucleotide variant.
Coding change: c.3589G>A on transcript NM_001875.5 (MANE Select); coding-DNA position 3589, G replaced by A.
Protein change: p.Glu1197Lys; replaces glutamic acid 1197 with lysine.
Molecular consequence: missense variant. On other transcripts: non-coding transcript variant (2).
Genome position (GRCh38, 1-based): chr2:210,656,555, G>A. VCF-style: chr2-210656555-G-A. GRCh37 (hg19) VCF-style: chr2-211521279-G-A.
Other names: c.3589G>A, p.Glu1197Lys (NM_001122633.3, NM_001369257.1); c.3622G>A, p.Glu1208Lys (NM_001369256.1); short protein forms E1197K, E1208K.
Identifiers: ClinVar variation 3767971 (VCV003767971.1).
Genomic context (GRCh38, chr2:210,656,555, plus strand): 5'-CTAAAATCCTTTTTTTTTTTTTTTGGCCAGGTTATCTCTCATGCCATCTCTGAACATGTT[G>A]AAGATGCAGGTGTCCACTCGGGAGATGCCACTCTGATGCTGCCCACACAAACCATCAGCC-3'
Protein context (NP_001866.2, residues 1187-1207): VISHAISEHV[Glu1197Lys]DAGVHSGDAT

ClinVar aggregate classification (germline): Uncertain significance (1 of 4 stars; one submission).

Conditions:
Congenital hyperammonemia, type I. Also called: Carbamoyl-phosphate synthase I deficiency; CPS I DEFICIENCY; Carbamoyl phosphate synthetase I deficiency disease; Carbamoyl phosphate synthetase 1 deficiency; Hyperammonemia due to carbamoyl phosphate synthetase 1 deficiency; CPS 1 deficiency. Identifiers: Orphanet 147, MedGen C4082171, MONDO:0009376, OMIM 237300.

Submission:

Diagnostics Services (NGS), CSIR - Centre For Cellular And Molecular Biology
Classification: Uncertain significance for Congenital hyperammonemia, type I. Last evaluated: 2025-02-06. Review status: criteria provided, single submitter. Criteria: ACMG Guidelines, 2015. Collection method: clinical testing. Allele origin: unknown. Affected: no. Observed: 2 variant alleles, 2 heterozygotes.
Comment: The c.3589G>A variant is not present in publicly available population databases like 1000 Genomes, EVS, gnomAD, Indian Exome Database or our internal database. This variant has neither been reported in the literature in individuals affected with CPS1-related conditions nor reported to the clinical databases like Human Genome Mutation Database (HGMD), ClinVar or OMIM in any affected individuals. In-silico pathogenicity prediction programs like SIFT, Polyphen-2, MutationTaster2021, CADD, Franklin, Varsome, InterVar etc predicted this variant to be likely deleterious however these predictions were not confirmed by published function studies. This variant is present in a mutational hotspot region of the gene. This variant was identified in a couple as a part of carrier screening.